The following is an entry in ClinVar:

ClinVar aggregate classification (germline): Uncertain significance (1 of 4 stars; one submission).

Conditions:
ABCB4-related disorder. Also called: ABCB4-related disorders; ABCB4-related condition.

gnomAD v4.1: 10 of 1,613,810 alleles (0.00062%); highest among the groups gnomAD compares: Admixed American, 0.017%; no homozygotes.

Submission:

PreventionGenetics, part of Exact Sciences
Classification: Uncertain significance for ABCB4-related condition. Last evaluated: 2026-07-06. Review status: criteria provided, single submitter. Criteria: ACMG Guidelines, 2015. Collection method: clinical testing. Allele origin: germline.
Comment: The ABCB4 c.1952C>G variant is predicted to result in the amino acid substitution p.Thr651Ser. To our knowledge, this variant has not been reported in the literature. This variant is reported in 0.020% of alleles in individuals of Latino descent in gnomAD. At this time, the clinical significance of this variant is uncertain due to the absence of conclusive functional and genetic evidence.

NM_000443.4(ABCB4):c.1952C>G (p.Thr651Ser)

Gene: ABCB4 (ATP binding cassette subfamily B member 4; minus strand). Cytogenetic location: 7q21.12.
Variant type: single nucleotide variant.
Coding change: c.1952C>G on transcript NM_000443.4 (MANE Select); coding-DNA position 1952, C replaced by G.
Protein change: p.Thr651Ser; replaces threonine 651 with serine.
Molecular consequence: missense variant.
Genome position (GRCh38, 1-based): chr7:87,426,862, G>C on the plus strand (C>G on the coding strand, the complement: ABCB4 is on the minus strand). VCF-style: chr7-87426862-G-C. GRCh37 (hg19) VCF-style: chr7-87056178-G-C.
Other names: c.1952C>G, p.Thr651Ser (NM_018849.3, NM_018850.3); short protein forms T651S.
Identifiers: ClinVar variation 4990243 (VCV004990243.1).